The following is an entry in ClinVar:

NM_005159.5(ACTC1):c.855G>A (p.Met285Ile)

Genes: ACTC1 (actin alpha cardiac muscle 1; minus strand), GJD2-DT (GJD2 divergent transcript; plus strand). Cytogenetic location: 15q14.
Variant type: single nucleotide variant.
Coding change: c.855G>A on transcript NM_005159.5 (MANE Select); coding-DNA position 855, G replaced by A.
Protein change: p.Met285Ile; replaces methionine 285 with isoleucine.
Molecular consequence: missense variant.
Genome position (GRCh38, 1-based): chr15:34,791,249, C>T on the plus strand (G>A on the coding strand, the complement: ACTC1 is on the minus strand). VCF-style: chr15-34791249-C-T. GRCh37 (hg19) VCF-style: chr15-35083450-C-T.
Other names: c.855G>A, p.Met285Ile (NM_001406482.1, NM_001406483.1); c.720G>A, p.Met240Ile (NM_001406484.1); c.414G>A, p.Met138Ile (NM_001406485.1); short protein forms M138I, M240I, M285I.
Identifiers: ClinVar variation 2774868 (VCV002774868.2), dbSNP rs2504177620, ClinGen allele CA391629569.
Genomic context (GRCh38, chr15:34,791,249, plus strand): 5'-GGTGCCTCCAGATAAGACATTGTTGGCATACAGGTCCTTGCGGATATCAATGTCACACTT[C>T]ATGATGCTATTGTAAGTTGTTTCATGGATGCCAGCAGATTCCATACCTGGGAACGAGTCA-3'
Protein context (NP_005150.1, residues 275-295): GIHETTYNSI[Met285Ile]KCDIDIRKDL

ClinVar aggregate classification (germline): Uncertain significance (1 of 4 stars; one submission).

Conditions:
Cardiomyopathy (CMYO). Also called: Cardiomyopathies. Identifiers: Orphanet 167848, MedGen C0878544, MONDO:0004994, HP:0001638. Inheritance: Various modes of inheritance.

Submission:

Color Diagnostics, LLC DBA Color Health
Classification: Uncertain significance for Cardiomyopathy. Last evaluated: 2022-12-05. Review status: criteria provided, single submitter. Criteria: ACMG Guidelines, 2015. Collection method: clinical testing. Allele origin: germline.
Comment: This missense variant replaces methionine with isoleucine at codon 285 of the ACTC1 protein. Computational prediction suggests that this variant may have deleterious impact on protein structure and function (internally defined REVEL score threshold >= 0.7, PMID: 27666373). To our knowledge, functional studies have not been reported for this variant. This variant has not been reported in individuals affected with ACTC1-related disorders in the literature. This variant has not been identified in the general population by the Genome Aggregation Database (gnomAD). The available evidence is insufficient to determine the role of this variant in disease conclusively. Therefore, this variant is classified as a Variant of Uncertain Significance.